The following is an entry in ClinVar:

NM_000059.4(BRCA2):c.6694A>C (p.Lys2232Gln)

Gene: BRCA2 (BRCA2 DNA repair associated; plus strand). Cytogenetic location: 13q13.1.
Variant type: single nucleotide variant.
Coding change: c.6694A>C on transcript NM_000059.4 (MANE Select); coding-DNA position 6694, A replaced by C.
Protein change: p.Lys2232Gln; replaces lysine 2232 with glutamine.
Molecular consequence: missense variant. On other transcripts: non-coding transcript variant (1), intron variant (2).
Genome position (GRCh38, 1-based): chr13:32,341,049, A>C. VCF-style: chr13-32341049-A-C. GRCh37 (hg19) VCF-style: chr13-32915186-A-C.
Other names: c.6694A>C, p.Lys2232Gln (NM_001406719.1, NM_001406720.1); c.1910-3509A>C (NM_001406721.1); c.425-3509A>C (NM_001406722.1); short protein forms K2232Q.
Identifiers: ClinVar variation 2451530 (VCV002451530.2), dbSNP rs781219481, ClinGen allele CA387790610.
Genomic context (GRCh38, chr13:32,341,049, plus strand): 5'-TGTTCTACTTACTCCAAAGATTCAGAAAACTACTTTGAAACAGAAGCAGTAGAAATTGCT[A>C]AAGCTTTTATGGAAGATGATGAACTGACAGATTCTAAACTGCCAAGTCATGCCACACATT-3'
Protein context (NP_000050.3, residues 2222-2242): YFETEAVEIA[Lys2232Gln]AFMEDDELTD

ClinVar aggregate classification (germline): Uncertain significance (1 of 4 stars; one submission).

Conditions:
Hereditary cancer-predisposing syndrome. Also called: Neoplastic Syndromes, Hereditary; Tumor predisposition; Hereditary neoplastic syndrome; Hereditary Cancer Syndrome. Identifiers: Orphanet 140162, MedGen C0027672, MeSH D009386, MONDO:0015356.

Submission:

Ambry Genetics
Classification: Uncertain significance for Hereditary cancer-predisposing syndrome. Last evaluated: 2023-01-10. Review status: criteria provided, single submitter. Criteria: Ambry Variant Classification Scheme 2023. Collection method: clinical testing. Allele origin: germline.
Comment: The p.K2232Q variant (also known as c.6694A>C), located in coding exon 10 of the BRCA2 gene, results from an A to C substitution at nucleotide position 6694. The lysine at codon 2232 is replaced by glutamine, an amino acid with similar properties. This alteration was identified in an individual diagnosed with ovarian cancer (Santonocito C et al. Breast, 2017 Dec;36:74-78). This amino acid position is not well conserved in available vertebrate species. In addition, the in silico prediction for this alteration is inconclusive. Since supporting evidence is limited at this time, the clinical significance of this alteration remains unclear.

Literature cited by the submitters: PubMed 29020660.